The following is an entry in ClinVar:

ClinVar aggregate classification (germline): Pathogenic. Review status: criteria provided, multiple submitters, no conflicts (2 of 4 stars). 3 submissions from 3 submitters: Pathogenic (3). Last evaluated 2025-12-19.

Conditions:
Hereditary cancer-predisposing syndrome. Also called: Neoplastic Syndromes, Hereditary; Hereditary neoplastic syndrome; Tumor predisposition; Hereditary Cancer Syndrome. Identifiers: Orphanet 140162, MedGen C0027672, MeSH D009386, MONDO:0015356.
Lynch syndrome 5 (LYNCH5). Also called: Colorectal cancer, hereditary nonpolyposis, type 5; Hereditary non-polyposis colorectal cancer, type 5. Identifiers: Orphanet 144, MedGen C1833477, MONDO:0013710, OMIM 614350. Disease mechanism: loss of function.

Submissions (3):

Ambry Genetics
Classification: Pathogenic for Hereditary cancer-predisposing syndrome. Last evaluated: 2025-12-19. Review status: criteria provided, single submitter. Criteria: Ambry Variant Classification Scheme 2023. Collection method: clinical testing. Allele origin: germline.
Comment: The p.Q419* pathogenic mutation (also known as c.1255C>T), located in coding exon 4 of the MSH6 gene, results from a C to T substitution at nucleotide position 1255. This changes the amino acid from a glutamine to a stop codon within coding exon 4. This variant is considered to be rare based on population cohorts in the Genome Aggregation Database (gnomAD). This alteration is expected to result in loss of function by premature protein truncation or nonsense-mediated mRNA decay. As such, this alteration is interpreted as a disease-causing mutation.

Myriad Genetics, Inc.
Classification: Pathogenic for Lynch syndrome 5. Last evaluated: 2023-08-11. Review status: criteria provided, single submitter. Criteria: Myriad Autosomal Dominant, Autosomal Recessive and X-Linked Classification Criteria (2023). Collection method: clinical testing. Allele origin: unknown.
Comment: This variant is considered pathogenic. This variant creates a termination codon and is predicted to result in premature protein truncation.

Quest Diagnostics Nichols Institute San Juan Capistrano
Classification: Pathogenic. Last evaluated: 2018-02-22. Review status: criteria provided, single submitter. Criteria: Quest Diagnostics criteria. Collection method: clinical testing. Allele origin: germline.

NM_000179.3(MSH6):c.1255C>T (p.Gln419Ter)

Gene: MSH6 (mutS homolog 6; plus strand). Cytogenetic location: 2p16.3.
Variant type: single nucleotide variant.
Coding change: c.1255C>T on transcript NM_000179.3 (MANE Select); coding-DNA position 1255, C replaced by T.
Protein change: p.Gln419Ter; replaces glutamine 419 with a stop codon.
Molecular consequence: nonsense.
Genome position (GRCh38, 1-based): chr2:47,799,238, C>T. VCF-style: chr2-47799238-C-T. GRCh37 (hg19) VCF-style: chr2-48026377-C-T.
Other names: c.865C>T, p.Gln289Ter (NM_001281492.2); c.349C>T, p.Gln117Ter (NM_001281493.2, NM_001281494.2); short protein forms Q419*, Q117*, Q289*.
Identifiers: ClinVar variation 619870 (VCV000619870.6), dbSNP rs762814792, ClinGen allele CA346743880.